The following is an entry in ClinVar:

ClinVar aggregate classification (germline): Uncertain significance. Review status: criteria provided, multiple submitters, no conflicts (2 of 4 stars). 2 submissions from 2 submitters: Uncertain significance (2). Last evaluated 2025-07-21.

Conditions:
Hereditary cancer-predisposing syndrome. Also called: Neoplastic Syndromes, Hereditary; Hereditary Cancer Syndrome; Hereditary neoplastic syndrome; Tumor predisposition. Identifiers: Orphanet 140162, MedGen C0027672, MeSH D009386, MONDO:0015356.
Hereditary diffuse gastric adenocarcinoma (HDGC). Also called: DIFFUSE GASTRIC AND LOBULAR BREAST CANCER SYNDROME. Identifiers: Orphanet 26106, MedGen C1708349, MONDO:0007648, OMIM 137215.

Submissions (2):

Labcorp Genetics (formerly Invitae), Labcorp
Classification: Uncertain significance for Hereditary diffuse gastric adenocarcinoma. Last evaluated: 2025-07-21. Review status: criteria provided, single submitter. Criteria: Invitae Variant Classification Sherloc (09022015). Collection method: clinical testing. Allele origin: germline.
Comment: This sequence change replaces isoleucine, which is neutral and non-polar, with leucine, which is neutral and non-polar, at codon 225 of the CDH1 protein (p.Ile225Leu). This variant is not present in population databases (gnomAD no frequency). This variant has not been reported in the literature in individuals affected with CDH1-related conditions. ClinVar contains an entry for this variant (Variation ID: 3723842). An algorithm developed to predict the effect of missense changes on protein structure and function (PolyPhen-2) suggests that this variant is likely to be disruptive. In summary, the available evidence is currently insufficient to determine the role of this variant in disease. Therefore, it has been classified as a Variant of Uncertain Significance.

Ambry Genetics
Classification: Uncertain significance for Hereditary cancer-predisposing syndrome. Last evaluated: 2025-01-23. Review status: criteria provided, single submitter. Criteria: Ambry Variant Classification Scheme 2023. Collection method: clinical testing. Allele origin: germline.
Comment: The p.I225L variant (also known as c.673A>C), located in coding exon 5 of the CDH1 gene, results from an A to C substitution at nucleotide position 673. The isoleucine at codon 225 is replaced by leucine, an amino acid with highly similar properties. This amino acid position is conserved. In addition, this alteration is predicted to be tolerated by in silico analysis. Based on the available evidence, the clinical significance of this variant remains unclear.

NM_004360.5(CDH1):c.673A>C (p.Ile225Leu)

Gene: CDH1 (cadherin 1; plus strand). Cytogenetic location: 16q22.1.
Variant type: single nucleotide variant.
Coding change: c.673A>C on transcript NM_004360.5 (MANE Select); coding-DNA position 673, A replaced by C.
Protein change: p.Ile225Leu; replaces isoleucine 225 with leucine.
Molecular consequence: missense variant. On other transcripts: 5 prime UTR variant (2).
Genome position (GRCh38, 1-based): chr16:68,808,834, A>C. VCF-style: chr16-68808834-A-C. GRCh37 (hg19) VCF-style: chr16-68842737-A-C.
Other names: c.673A>C, p.Ile225Leu (NM_001317184.2); c.-943A>C (NM_001317185.2); c.-1147A>C (NM_001317186.2); short protein forms I225L.
Identifiers: ClinVar variation 3723842 (VCV003723842.3).
Genomic context (GRCh38, chr16:68,808,834, plus strand): 5'-TTTATTATTGAAAGAGAAACAGGATGGCTGAAGGTGACAGAGCCTCTGGATAGAGAACGC[A>C]TTGCCACATACACTGTAAGTATCTCTTAGAAGCTTGTTGACACCGGGGTAACATCCACCC-3'
Protein context (NP_004351.1, residues 215-235): KVTEPLDRER[Ile225Leu]ATYTLFSHAV